The following is an entry in ClinVar:

NM_020975.6(RET):c.-5G>C

Genes: RET (ret proto-oncogene; plus strand), LOC106736614 (RET 5' regulatory region; plus strand). Cytogenetic location: 10q11.21.
Variant type: single nucleotide variant.
Coding change: c.-5G>C on transcript NM_020975.6 (MANE Select); 5 bases upstream of the start codon, G replaced by C.
Molecular consequence: 5 prime UTR variant.
Genome position (GRCh38, 1-based): chr10:43,077,254, G>C. VCF-style: chr10-43077254-G-C. GRCh37 (hg19) VCF-style: chr10-43572702-G-C.
Other names: c.-5G>C (NM_000323.2, NM_001406743.1, NM_001406744.1 and 38 more transcripts).
Identifiers: ClinVar variation 1751015 (VCV001751015.2), dbSNP rs1272713768, ClinGen allele CA2580081455.
Genomic context (GRCh38, chr10:43,077,254, plus strand): 5'-CCGCCATCCAGACCCGCCGGCCCTAGCCGCAGTCCCTCCAGCCGTGGCCCCAGCGCGCAC[G>C]GGCGATGGCGAAGGCGACGTCCGGTGCCGCGGGGCTGCGTCTGCTGTTGCTGCTGCTGCT-3'

ClinVar aggregate classification (germline): Uncertain significance (1 of 4 stars; one submission).

Conditions:
Hereditary cancer-predisposing syndrome. Also called: Hereditary Cancer Syndrome; Hereditary neoplastic syndrome; Neoplastic Syndromes, Hereditary; Tumor predisposition. Identifiers: Orphanet 140162, MedGen C0027672, MeSH D009386, MONDO:0015356.

gnomAD v4.1: 1 of 1,500,778 alleles (0.000067%); no homozygotes.

Submission:

Ambry Genetics
Classification: Uncertain significance for Hereditary cancer-predisposing syndrome. Last evaluated: 2020-09-02. Review status: criteria provided, single submitter. Criteria: Ambry Variant Classification Scheme 2023. Collection method: clinical testing. Allele origin: germline.
Comment: The c.-5G>C variant is located in the 5' untranslated region (5&rsquo; UTR) of the RET gene. This variant results from a G to C substitution 5 bases upstream from the first translated codon. This nucleotide position is well conserved on limited sequence alignment. Since supporting evidence is limited at this time, the clinical significance of this alteration remains unclear.